The following is an entry in ClinVar:

NM_147127.5(EVC2):c.572A>C (p.Asn191Thr)

Gene: EVC2 (EvC ciliary complex subunit 2; minus strand). Cytogenetic location: 4p16.2.
Variant type: single nucleotide variant.
Coding change: c.572A>C on transcript NM_147127.5 (MANE Select); coding-DNA position 572, A replaced by C.
Protein change: p.Asn191Thr; replaces asparagine 191 with threonine.
Molecular consequence: missense variant.
Genome position (GRCh38, 1-based): chr4:5,689,291, T>G on the plus strand (A>C on the coding strand, the complement: EVC2 is on the minus strand). VCF-style: chr4-5689291-T-G. GRCh37 (hg19) VCF-style: chr4-5691018-T-G.
Other names: c.572A>C (NM_147127.4); c.332A>C, p.Asn111Thr (NM_001166136.2); short protein forms N111T, N191T.
Identifiers: ClinVar variation 1415407 (VCV001415407.6), dbSNP rs754001550, ClinGen allele CA2835397.

ClinVar aggregate classification (germline): Uncertain significance. Review status: criteria provided, multiple submitters, no conflicts (2 of 4 stars). 2 submissions from 2 submitters: Uncertain significance (2). Last evaluated 2026-04-15.

Conditions:
Inborn genetic diseases. Identifiers: MedGen C0950123, MeSH D030342.
Curry-Hall syndrome (WAD). Also called: WEYERS ACRODENTAL DYSOSTOSIS. Identifiers: Orphanet 952, MedGen C0457013, MONDO:0008673, OMIM 193530.
Ellis-van Creveld syndrome (EVC). Also called: MESOECTODERMAL DYSPLASIA; Chondroectodermal dysplasia. Identifiers: Orphanet 289, MedGen C0013903, MONDO:0009162, OMIM 225500.

Allele frequency attached by ClinVar (database versions not stated): gnomAD 0.00001; gnomAD exomes 0.00003 and below 0.00001; ExAC 0.00001; TOPMed 0.00002.
gnomAD v4.1: 45 of 1,614,044 alleles (0.0028%); highest among the groups gnomAD compares: Non-Finnish European, 0.0034%; no homozygotes.

Submissions (2):

Ambry Genetics
Classification: Uncertain significance for Inborn genetic diseases. Last evaluated: 2026-04-15. Review status: criteria provided, single submitter. Criteria: Ambry Variant Classification Scheme 2023. Collection method: clinical testing. Allele origin: germline.
Comment: The c.572A>C (p.N191T) alteration is located in exon 5 (coding exon 5) of the EVC2 gene. This alteration results from a A to C substitution at nucleotide position 572, causing the asparagine (N) at amino acid position 191 to be replaced by a threonine (T). Based on data from gnomAD, the C allele has an overall frequency of <0.001% (1/251488) total alleles studied. The highest observed frequency was 0.001% (1/113764) of European (non-Finnish) alleles. Based on insufficient or conflicting evidence, the clinical significance of this alteration remains unclear.

Labcorp Genetics (formerly Invitae), Labcorp
Classification: Uncertain significance for Curry-Hall syndrome; Ellis-van Creveld syndrome. Last evaluated: 2021-11-13. Review status: criteria provided, single submitter. Criteria: Invitae Variant Classification Sherloc (09022015). Collection method: clinical testing. Allele origin: germline.
Comment: This sequence change replaces asparagine, which is neutral and polar, with threonine, which is neutral and polar, at codon 191 of the EVC2 protein (p.Asn191Thr). This variant is present in population databases (rs754001550, gnomAD 0.0009%). This variant has not been reported in the literature in individuals affected with EVC2-related conditions. Algorithms developed to predict the effect of missense changes on protein structure and function are either unavailable or do not agree on the potential impact of this missense change (SIFT: "Deleterious"; PolyPhen-2: "Probably Damaging"; Align-GVGD: "Class C0"). In summary, the available evidence is currently insufficient to determine the role of this variant in disease. Therefore, it has been classified as a Variant of Uncertain Significance.